The following is an entry in ClinVar:

ClinVar aggregate classification (germline): Pathogenic. Review status: criteria provided, multiple submitters, no conflicts (2 of 4 stars). 2 submissions from 2 submitters: Pathogenic (2). Last evaluated 2022-03-16.

Conditions:
Hereditary cancer-predisposing syndrome. Also called: Neoplastic Syndromes, Hereditary; Tumor predisposition; Hereditary Cancer Syndrome; Hereditary neoplastic syndrome. Identifiers: Orphanet 140162, MedGen C0027672, MeSH D009386, MONDO:0015356.

Submissions (3):

Ambry Genetics
Classification: Pathogenic for Hereditary cancer-predisposing syndrome. Last evaluated: 2022-03-16. Review status: criteria provided, single submitter. Criteria: Ambry Variant Classification Scheme 2023. Collection method: clinical testing. Allele origin: germline.
Comment: The p.G1706* variant (also known as c.5116G>T), located in coding exon 16 of the BRCA1 gene, results from a G to T substitution at nucleotide position 5116. This changes the amino acid from a glycine to a stop codon within coding exon 16. This alteration is expected to result in loss of function by premature protein truncation or nonsense-mediated mRNA decay. As such, this alteration is interpreted as a disease-causing mutation.

Quest Diagnostics Nichols Institute San Juan Capistrano
Classification: Pathogenic. Last evaluated: 2020-06-30. Review status: criteria provided, single submitter. Criteria: Quest Diagnostics criteria. Collection method: clinical testing. Allele origin: unknown.
Comment: The variant creates a premature nonsense codon, and is therefore predicted to result in the loss of a functional protein. Found in at least one patient with expected phenotype for this gene, and not found in general population data.

Brotman Baty Institute, University of Washington
No classification provided (evidence only). Condition: Breast-ovarian cancer, familial 1. Review status: no classification provided. Collection method: in vitro. Allele origin: not applicable. Functional consequence: functionally_abnormal. Not counted in ClinVar's aggregate classification.
ClinVar note: "not provided" was previously submitted as the classification for the variant. However, the classification appeared to be based only on an observation of functional data so it was converted to no classification on 2025-07-30.

NM_007294.4(BRCA1):c.5116G>T (p.Gly1706Ter)

Gene: BRCA1 (BRCA1 DNA repair associated; minus strand). Cytogenetic location: 17q21.31.
Variant type: single nucleotide variant.
Coding change: c.5116G>T on transcript NM_007294.4 (MANE Select); coding-DNA position 5116, G replaced by T.
Protein change: p.Gly1706Ter; replaces glycine 1706 with a stop codon.
Molecular consequence: nonsense. On other transcripts: non-coding transcript variant (1).
Genome position (GRCh38, 1-based): chr17:43,063,910, C>A on the plus strand (G>T on the coding strand, the complement: BRCA1 is on the minus strand). VCF-style: chr17-43063910-C-A. GRCh37 (hg19) VCF-style: chr17-41215927-C-A.
Other names: c.4975G>T, p.Gly1659Ter (NM_001407942.1, NM_007297.4, NM_001407725.1 and 13 more transcripts); c.4972G>T, p.Gly1658Ter (NM_001407943.1, NM_001407944.1, NM_001407945.1 and 21 more transcripts); c.4777G>T, p.Gly1593Ter (NM_001407956.1, NM_001407957.1, NM_001407958.1); c.4735G>T, p.Gly1579Ter (NM_001407959.1); c.4732G>T, p.Gly1578Ter (NM_001407960.1, NM_001407962.1); c.4729G>T, p.Gly1577Ter (NM_001407963.1); c.4654G>T, p.Gly1552Ter (NM_001407964.1); c.4609G>T, p.Gly1537Ter (NM_001407965.1); and 71 more; short protein forms G1706*, G1659*, G1727*, G602*, G1409*, G1410*, G1578*, G1595*.
Identifiers: ClinVar variation 868672 (VCV000868672.6), dbSNP rs886040864, ClinGen allele CA10591301.
Genomic context (GRCh38, chr17:43,063,910, plus strand): 5'-GGGGAGAAATAGTATTATACTTACAGAAATAGCTAACTACCCATTTTCCTCCCGCAATTC[C>A]TAGAAAATATTTCAGTGTCCGTTCACACACAAACTCAGCATCTGCAGAATGAAAAACACT-3'